The following is an entry in ClinVar:

ClinVar aggregate classification (germline): Pathogenic (1 of 4 stars; one submission).

Conditions:
Intellectual disability, autosomal recessive 42 (NEDDSBA). Also called: Neurodevelopmental disorder with dysmorphic features, spasticity, and brain abnormalities; GLYCOSYLPHOSPHATIDYLINOSITOL BIOSYNTHESIS DEFECT 9. Identifiers: Orphanet 88616, MedGen C4014343, MONDO:0014348, OMIM 615802.

Submission:

Labcorp Genetics (formerly Invitae), Labcorp
Classification: Pathogenic for Intellectual disability, autosomal recessive 42. Last evaluated: 2024-04-29. Review status: criteria provided, single submitter. Criteria: Invitae Variant Classification Sherloc (09022015). Collection method: clinical testing. Allele origin: germline.
Comment: This sequence change creates a premature translational stop signal (p.Cys623Alafs*2) in the PGAP1 gene. It is expected to result in an absent or disrupted protein product. Loss-of-function variants in PGAP1 are known to be pathogenic (PMID: 17711852, 26050939, 27848944). This variant is not present in population databases (gnomAD no frequency). This variant has not been reported in the literature in individuals affected with PGAP1-related conditions. For these reasons, this variant has been classified as Pathogenic.

Literature cited by the submitters: PubMed 17711852; PubMed 26050939; PubMed 27848944.

NM_024989.4(PGAP1):c.1867del (p.Cys623fs)

Gene: PGAP1 (post-GPI attachment to proteins inositol deacylase 1; minus strand). Cytogenetic location: 2q33.1.
Variant type: Deletion.
Coding change: c.1867del on transcript NM_024989.4 (MANE Select); coding-DNA position 1867, one base deleted (T; older notation c.1867delT).
Protein change: p.Cys623fs; shifts the reading frame from cysteine 623.
Molecular consequence: frameshift variant.
Genome position (GRCh38, 1-based): chr2:196,848,032, A deleted on the plus strand (T on the coding strand, the reverse complement: PGAP1 is on the minus strand); the first of 2 consecutive A bases (chr2:196,848,032-196,848,033); deleting either gives the same sequence. VCF-style (leftmost placement, unchanged base first): chr2-196848031-CA-C. GRCh37 (hg19) VCF-style: chr2-197712755-CA-C.
Other names: c.1345del, p.Cys449fs (NM_001321099.2); c.700del, p.Cys234fs (NM_001321100.2); short protein forms C449fs, C623fs, C234fs.
Identifiers: ClinVar variation 2770871 (VCV002770871.3), dbSNP rs2469098389, ClinGen allele CA2697551480.
Genomic context (GRCh38, chr2:196,848,031, plus strand): 5'-ACAAAAGGATCAACTTTGTATGGTTTGGCTTCTTTATCCAACATGGTAGCATATTCTAAG[CA>C]ACAACCTGGTGATTTAAAAAAAGTTACATGCAATTTACAGTAATTAAGTATGAGATATAC-3'